The following is an entry in ClinVar:

ClinVar aggregate classification (germline): Uncertain significance (1 of 4 stars; one submission).

Submission:

Laboratorio de Genetica e Diagnostico Molecular, Hospital Israelita Albert Einstein
Classification: Uncertain significance. Last evaluated: 2021-02-01. Review status: criteria provided, single submitter. Criteria: ACMG Guidelines, 2015. Collection method: clinical testing. Allele origin: germline. Affected: yes.
Comment: ACMG classification criteria: PM2, BP4

NM_001378120.1(MBD5):c.1001A>C (p.Gln334Pro)

Gene: MBD5 (methyl-CpG binding domain protein 5; plus strand). Cytogenetic location: 2q23.1.
Variant type: single nucleotide variant.
Coding change: c.1001A>C on transcript NM_001378120.1 (MANE Select); coding-DNA position 1001, A replaced by C.
Protein change: p.Gln334Pro; replaces glutamine 334 with proline.
Molecular consequence: missense variant.
Genome position (GRCh38, 1-based): chr2:148,468,944, A>C. VCF-style: chr2-148468944-A-C. GRCh37 (hg19) VCF-style: chr2-149226513-A-C.
Other names: c.1001A>C, p.Gln334Pro (NM_018328.5); short protein forms Q334P.
Identifiers: ClinVar variation 1690474 (VCV001690474.2), dbSNP rs2105628183, ClinGen allele CA348718167.
Genomic context (GRCh38, chr2:148,468,944, plus strand): 5'-TGTGTAATTTTTCAACTAATATGGAAATACCACGAGCAATGTTCCACCACAAACCACCCC[A>C]AGGCCCACCTCCCCCTCCTCCACCTTCTTGTGCTCTTCAGAAAAAGCCATTAACATCTGA-3'
Protein context (NP_001365049.1, residues 324-344): PRAMFHHKPP[Gln334Pro]GPPPPPPPSC